The following is an entry in ClinVar:

ClinVar aggregate classification (germline): Uncertain significance (1 of 4 stars; one submission).

gnomAD v4.1: 17 of 1,508,450 alleles (0.0011%); highest among the groups gnomAD compares: Admixed American, 0.014%; no homozygotes.

Submission:

Ambry Genetics
Classification: Uncertain significance. Last evaluated: 2024-12-17. Review status: criteria provided, single submitter. Criteria: Ambry Variant Classification Scheme 2023. Collection method: clinical testing. Allele origin: germline.
Comment: The p.Q1291R variant (also known as c.3872A>G), located in coding exon 14 of the CDK12 gene, results from an A to G substitution at nucleotide position 3872. The glutamine at codon 1291 is replaced by arginine, an amino acid with highly similar properties. This amino acid position is conserved. In addition, the in silico prediction for this alteration is inconclusive. Based on the available evidence, the clinical significance of this variant remains unclear.

NM_016507.4(CDK12):c.3872A>G (p.Gln1291Arg)

Gene: CDK12 (cyclin dependent kinase 12; plus strand). Cytogenetic location: 17q12.
Variant type: single nucleotide variant.
Coding change: c.3872A>G on transcript NM_016507.4 (MANE Select); coding-DNA position 3872, A replaced by G.
Protein change: p.Gln1291Arg; replaces glutamine 1291 with arginine.
Molecular consequence: missense variant.
Genome position (GRCh38, 1-based): chr17:39,530,715, A>G. VCF-style: chr17-39530715-A-G. GRCh37 (hg19) VCF-style: chr17-37686968-A-G.
Other names: c.3845A>G, p.Gln1282Arg (NM_015083.4); short protein forms Q1282R, Q1291R.
Identifiers: ClinVar variation 3489414 (VCV003489414.2).